The following is an entry in ClinVar:

NM_024685.4(BBS10):c.190A>G (p.Ile64Val)

Gene: BBS10 (Bardet-Biedl syndrome 10; minus strand). Cytogenetic location: 12q21.2.
Variant type: single nucleotide variant.
Coding change: c.190A>G on transcript NM_024685.4 (MANE Select); coding-DNA position 190, A replaced by G.
Protein change: p.Ile64Val; replaces isoleucine 64 with valine.
Molecular consequence: missense variant.
Genome position (GRCh38, 1-based): chr12:76,348,169, T>C on the plus strand (A>G on the coding strand, the complement: BBS10 is on the minus strand). VCF-style: chr12-76348169-T-C. GRCh37 (hg19) VCF-style: chr12-76741949-T-C.
Other names: short protein forms I64V.
Identifiers: ClinVar variation 1483382 (VCV001483382.3), dbSNP rs755814743, ClinGen allele CA6694414.

ClinVar aggregate classification (germline): Uncertain significance (1 of 4 stars; one submission).

Conditions:
Bardet-Biedl syndrome (BBS). Identifiers: Orphanet 110, MedGen C0752166, MONDO:0015229.

Allele frequency attached by ClinVar (database versions not stated): gnomAD 0.00001; gnomAD exomes 0.00001 and 0.00002; ExAC 0.00002.
gnomAD v4.1: 12 of 1,609,668 alleles (0.00075%); highest among the groups gnomAD compares: Middle Eastern, 0.016%; no homozygotes.

Submission:

Labcorp Genetics (formerly Invitae), Labcorp
Classification: Uncertain significance for Bardet-Biedl syndrome. Last evaluated: 2022-08-16. Review status: criteria provided, single submitter. Criteria: Invitae Variant Classification Sherloc (09022015). Collection method: clinical testing. Allele origin: germline.
Comment: This sequence change replaces isoleucine, which is neutral and non-polar, with valine, which is neutral and non-polar, at codon 64 of the BBS10 protein (p.Ile64Val). This variant is present in population databases (rs755814743, gnomAD 0.01%). This variant has not been reported in the literature in individuals affected with BBS10-related conditions. ClinVar contains an entry for this variant (Variation ID: 1483382). Algorithms developed to predict the effect of missense changes on protein structure and function output the following: SIFT: "Tolerated"; PolyPhen-2: "Benign"; Align-GVGD: "Class C0". The valine amino acid residue is found in multiple mammalian species, which suggests that this missense change does not adversely affect protein function. In summary, the available evidence is currently insufficient to determine the role of this variant in disease. Therefore, it has been classified as a Variant of Uncertain Significance.